The following is an entry in ClinVar:

ClinVar aggregate classification (germline): Uncertain significance. Review status: criteria provided, multiple submitters, no conflicts (2 of 4 stars). 4 submissions from 4 submitters: Uncertain significance (4). Last evaluated 2024-09-19.

Conditions:
MORM syndrome (MORMS). Identifiers: Orphanet 75858, MedGen C1857802, MONDO:0012423, OMIM 610156.
Joubert syndrome 1 (JBTS1). Also called: Cerebellooculorenal syndrome 1; CEREBELLOPARENCHYMAL DISORDER IV. Identifiers: MedGen C4551568, MONDO:0008944, OMIM 213300.
Joubert syndrome. Also called: JOUBERT-BOLTSHAUSER SYNDROME; Familial aplasia of the vermis. Identifiers: Orphanet 475, MedGen C5979921, MONDO:0018772.
Inborn genetic diseases. Identifiers: MedGen C0950123, MeSH D030342.

Allele frequency attached by ClinVar (database versions not stated): TOPMed 0.00002; ExAC 0.00003; gnomAD 0.00003 and 0.00004.
gnomAD v4.1: 59 of 1,613,078 alleles (0.0037%); highest among the groups gnomAD compares: African/African-American, 0.0054%; no homozygotes.

Submissions (4):

Blueprint Genetics
Classification: Uncertain significance. Last evaluated: 2024-09-19. Review status: criteria provided, single submitter. Criteria: ACMG Guidelines, 2015. Collection method: clinical testing. Allele origin: germline.

Fulgent Genetics
Classification: Uncertain significance for Joubert syndrome 1; MORM syndrome. Last evaluated: 2024-06-18. Review status: criteria provided, single submitter. Criteria: ACMG Guidelines, 2015. Collection method: clinical testing. Allele origin: germline.

Ambry Genetics
Classification: Uncertain significance for Inborn genetic diseases. Last evaluated: 2024-01-03. Review status: criteria provided, single submitter. Criteria: Ambry Variant Classification Scheme 2023. Collection method: clinical testing. Allele origin: germline.

Labcorp Genetics (formerly Invitae), Labcorp
Classification: Uncertain significance for Joubert syndrome. Last evaluated: 2022-08-08. Review status: criteria provided, single submitter. Criteria: Invitae Variant Classification Sherloc (09022015). Collection method: clinical testing. Allele origin: germline.
Comment: This sequence change replaces isoleucine, which is neutral and non-polar, with valine, which is neutral and non-polar, at codon 397 of the INPP5E protein (p.Ile397Val). This variant is present in population databases (rs140705002, gnomAD 0.004%). This variant has not been reported in the literature in individuals affected with INPP5E-related conditions. ClinVar contains an entry for this variant (Variation ID: 844495). Advanced modeling of protein sequence and biophysical properties (such as structural, functional, and spatial information, amino acid conservation, physicochemical variation, residue mobility, and thermodynamic stability) performed at Invitae indicates that this missense variant is not expected to disrupt INPP5E protein function. In summary, the available evidence is currently insufficient to determine the role of this variant in disease. Therefore, it has been classified as a Variant of Uncertain Significance.

NM_019892.6(INPP5E):c.1189A>G (p.Ile397Val)

Gene: INPP5E (inositol polyphosphate-5-phosphatase E; minus strand). Cytogenetic location: 9q34.3.
Variant type: single nucleotide variant.
Coding change: c.1189A>G on transcript NM_019892.6 (MANE Select); coding-DNA position 1189, A replaced by G.
Protein change: p.Ile397Val; replaces isoleucine 397 with valine.
Molecular consequence: missense variant.
Genome position (GRCh38, 1-based): chr9:136,433,046, T>C on the plus strand (A>G on the coding strand, the complement: INPP5E is on the minus strand). VCF-style: chr9-136433046-T-C. GRCh37 (hg19) VCF-style: chr9-139327498-T-C.
Other names: c.1189A>G, p.Ile397Val (NM_001318502.2); short protein forms I397V.
Identifiers: ClinVar variation 844495 (VCV000844495.10), dbSNP rs140705002, ClinGen allele CA5336884.